The following is an entry in ClinVar:

ClinVar aggregate classification (germline): Conflicting classifications of pathogenicity. Review status: criteria provided, conflicting classifications (1 of 4 stars). 2 submissions from 2 submitters: Likely pathogenic (1); Uncertain significance (1). Last evaluated 2025-11-26.

Conditions:
Hypogonadotropic hypogonadism 6 with or without anosmia (HH6). Also called: HYPOGONADOTROPIC HYPOGONADISM 6 WITHOUT ANOSMIA; HYPOGONADOTROPIC HYPOGONADISM 6 WITH ANOSMIA; FGF8-Related GnRH Deficiency (Kallmann Syndrome 6). Identifiers: Orphanet 478, MedGen C3552574, MONDO:0012988, OMIM 612702.

Submissions (2):

Women's Health and Genetics/Laboratory Corporation of America, LabCorp
Classification: Uncertain significance. Last evaluated: 2025-11-26. Review status: criteria provided, single submitter. Criteria: LabCorp Variant Classification Summary - May 2015. Collection method: clinical testing. Allele origin: germline.
Comment: Variant summary: FGF8 c.379delC (p.Arg127GlufsX13) results in a premature termination codon, predicted to cause a truncation of the encoded protein or absence of the protein, which are commonly known mechanisms for disease. This variant is predicted to escape nonsense mediated decay. The variant was absent in 251484 control chromosomes. The available data on variant occurrences in the general population are insufficient to allow any conclusion about variant significance. To our knowledge, no occurrence of c.379delC in individuals affected with FGF8-related conditions and no experimental evidence demonstrating its impact on protein function have been reported. No submitters have cited clinical-significance assessments for this variant to ClinVar. Based on the evidence outlined above, the variant was classified as uncertain significance.

Revvity Omics, Revvity
Classification: Likely pathogenic for Hypogonadotropic hypogonadism 6 with or without anosmia. Last evaluated: 2024-09-02. Review status: criteria provided, single submitter. Criteria: ACMG Guidelines, 2015. Collection method: clinical testing. Allele origin: germline.

NM_033163.5(FGF8):c.379del (p.Arg127fs)

Gene: FGF8 (fibroblast growth factor 8; minus strand). Cytogenetic location: 10q24.32.
Variant type: Deletion.
Coding change: c.379del on transcript NM_033163.5 (MANE Select); coding-DNA position 379, one base deleted (C; older notation c.379delC).
Protein change: p.Arg127fs; shifts the reading frame from arginine 127.
Molecular consequence: frameshift variant.
Genome position (GRCh38, 1-based): chr10:101,771,528, G deleted on the plus strand (C on the coding strand, the reverse complement: FGF8 is on the minus strand). VCF-style (leftmost placement, unchanged base first): chr10-101771527-CG-C. GRCh37 (hg19) VCF-style: chr10-103531284-CG-C.
Other names: c.67del, p.Arg23fs (NM_001206389.2); c.292del, p.Arg98fs (NM_006119.6); c.346del, p.Arg116fs (NM_033164.4); c.259del, p.Arg87fs (NM_033165.5); c.379delC (NM_033163.5); short protein forms R116fs, R127fs, R23fs, R87fs, R98fs.
Identifiers: ClinVar variation 4081393 (VCV004081393.2).
Genomic context (GRCh38, chr10:101,771,527, plus strand): 5'-GCGATCAGCTTCCCCTTCTTGTTCATGCAGATGTAGAGGCCCGTCTCGGCTCCTCGGACT[CG>C]AACTCTGCTTCCAAAGGTGTCCGTCTCCACGATGAGCTTTGCTGTCAGAGAAGGTAGCAG-3'